The following is an entry in ClinVar:

ClinVar aggregate classification (germline): Uncertain significance (1 of 4 stars; one submission).

Conditions:
Shprintzen-Goldberg syndrome (SGS). Also called: Marfanoid disorder with craniosynostosis type 1; Marfanoid craniosynostosis syndrome; Shprintzen-Goldberg marfanoid syndrome; SHPRINTZEN-GOLDBERG CRANIOSYNOSTOSIS SYNDROME; CRANIOSYNOSTOSIS WITH ARACHNODACTYLY AND ABDOMINAL HERNIAS. Identifiers: Orphanet 2462, MedGen C1321551, MONDO:0008426, OMIM 182212.

Allele frequency attached by ClinVar (database versions not stated): gnomAD exomes below 0.00001.

Submission:

Labcorp Genetics (formerly Invitae), Labcorp
Classification: Uncertain significance for Shprintzen-Goldberg syndrome. Last evaluated: 2023-06-07. Review status: criteria provided, single submitter. Criteria: Invitae Variant Classification Sherloc (09022015). Collection method: clinical testing. Allele origin: germline.
Comment: This sequence change replaces glutamic acid, which is acidic and polar, with lysine, which is basic and polar, at codon 145 of the SKI protein (p.Glu145Lys). This variant is not present in population databases (gnomAD no frequency). This variant has not been reported in the literature in individuals affected with SKI-related conditions. Advanced modeling of protein sequence and biophysical properties (such as structural, functional, and spatial information, amino acid conservation, physicochemical variation, residue mobility, and thermodynamic stability) has been performed at Invitae for this missense variant, however the output from this modeling did not meet the statistical confidence thresholds required to predict the impact of this variant on SKI protein function. In summary, the available evidence is currently insufficient to determine the role of this variant in disease. Therefore, it has been classified as a Variant of Uncertain Significance.

NM_003036.4(SKI):c.433G>A (p.Glu145Lys)

Gene: SKI (SKI proto-oncogene; plus strand). Cytogenetic location: 1p36.33.
Variant type: single nucleotide variant.
Coding change: c.433G>A on transcript NM_003036.4 (MANE Select); coding-DNA position 433, G replaced by A.
Protein change: p.Glu145Lys; replaces glutamic acid 145 with lysine.
Molecular consequence: missense variant.
Genome position (GRCh38, 1-based): chr1:2,229,199, G>A. VCF-style: chr1-2229199-G-A. GRCh37 (hg19) VCF-style: chr1-2160638-G-A.
Other names: short protein forms E145K.
Identifiers: ClinVar variation 2697662 (VCV002697662.3), dbSNP rs1173923792, ClinGen allele CA337953243.
Genomic context (GRCh38, chr1:2,229,199, plus strand): 5'-CAGATTCTCAACTCGGTGCTGCGCGACTTCTCGCTGCAGCAGATCAACGCGGTGTGCGAC[G>A]AGCTCCACATCTACTGCTCGCGCTGCACGGCCGACCAGCTGGAGATCCTCAAAGTCATGG-3'
Protein context (NP_003027.1, residues 135-155): SLQQINAVCD[Glu145Lys]LHIYCSRCTA